The following is an entry in ClinVar:

ClinVar aggregate classification (germline): Uncertain significance (0 of 4 stars; one submission).

Conditions:
NRP1-related disorder. Also called: NRP1-related condition.

Submission:

PreventionGenetics, part of Exact Sciences
Classification: Uncertain significance for NRP1-related condition. Last evaluated: 2024-01-23. Review status: no assertion criteria provided. Collection method: clinical testing. Allele origin: germline.
Comment: The NRP1 c.1357G>C variant is predicted to result in the amino acid substitution p.Gly453Arg. To our knowledge, this variant has not been reported in the literature or in a large population database, indicating this variant is rare. At this time, the clinical significance of this variant is uncertain due to the absence of conclusive functional and genetic evidence.

NM_003873.7(NRP1):c.1357G>C (p.Gly453Arg)

Gene: NRP1 (neuropilin 1; minus strand). Cytogenetic location: 10p11.22.
Variant type: single nucleotide variant.
Coding change: c.1357G>C on transcript NM_003873.7 (MANE Select); coding-DNA position 1357, G replaced by C.
Protein change: p.Gly453Arg; replaces glycine 453 with arginine.
Molecular consequence: missense variant. On other transcripts: non-coding transcript variant (1).
Genome position (GRCh38, 1-based): chr10:33,213,643, C>G on the plus strand (G>C on the coding strand, the complement: NRP1 is on the minus strand). VCF-style: chr10-33213643-C-G. GRCh37 (hg19) VCF-style: chr10-33502571-C-G.
Other names: c.1357G>C, p.Gly453Arg (NM_001024628.3, NM_001024629.3, NM_001244972.2 and 2 more transcripts); short protein forms G453R.
Identifiers: ClinVar variation 3348024 (VCV003348024.1).